The following is an entry in ClinVar:

ClinVar aggregate classification (germline): Likely benign (1 of 4 stars; one submission).

Allele frequency attached by ClinVar (database versions not stated): 1000 Genomes Project 0.00339; 1000 Genomes Project 30x 0.00359; gnomAD 0.00453; TOPMed 0.00493; gnomAD exomes 0.00630.
gnomAD v4.1: 1,129 of 220,096 alleles (0.51%); highest among the groups gnomAD compares: Admixed American, 0.76%; 5 homozygotes.

Submission:

CeGaT Center for Human Genetics Tuebingen
Classification: Likely benign. Last evaluated: 2023-01-01. Review status: criteria provided, single submitter. Criteria: CeGaT Center For Human Genetics Tuebingen Variant Classification Criteria Version 2. Collection method: clinical testing. Allele origin: germline. Affected: yes. Observed: 1 variant allele.
Comment: DMRT1: BS1

NM_021951.3(DMRT1):c.354+376C>G

Gene: DMRT1 (doublesex and mab-3 related transcription factor 1; plus strand). Cytogenetic location: 9p24.3.
Variant type: single nucleotide variant.
Coding change: c.354+376C>G on transcript NM_021951.3 (MANE Select); 376 bases into the intron after coding-DNA position 354, C replaced by G.
Molecular consequence: intron variant.
Genome position (GRCh38, 1-based): chr9:842,568, C>G. VCF-style: chr9-842568-C-G. GRCh37 (hg19) VCF-style: chr9-842568-C-G.
Identifiers: ClinVar variation 2659025 (VCV002659025.24), dbSNP rs189459273, ClinGen allele CA187849117.